The following is an entry in ClinVar:

NM_005343.4(HRAS):c.484G>C (p.Glu162Gln)

Genes: HRAS (HRas proto-oncogene, GTPase; minus strand), LRRC56 (leucine rich repeat containing 56; plus strand). Cytogenetic location: 11p15.5.
Variant type: single nucleotide variant.
Coding change: c.484G>C on transcript NM_005343.4 (MANE Select); coding-DNA position 484, G replaced by C.
Protein change: p.Glu162Gln; replaces glutamic acid 162 with glutamine.
Molecular consequence: missense variant. On other transcripts: 3 prime UTR variant (1).
Genome position (GRCh38, 1-based): chr11:532,722, C>G on the plus strand (G>C on the coding strand, the complement: HRAS is on the minus strand). VCF-style: chr11-532722-C-G. GRCh37 (hg19) VCF-style: chr11-532722-C-G.
Other names: c.484G>C, p.Glu162Gln (NM_001130442.3); c.247G>C, p.Glu83Gln (NM_001318054.2); c.*53G>C (NM_176795.5); short protein forms E162Q, E83Q.
Identifiers: ClinVar variation 1713326 (VCV001713326.6), dbSNP rs1564787942, ClinGen allele CA378921166.

ClinVar aggregate classification (germline): Uncertain significance (1 of 4 stars; one submission).

Conditions:
Costello syndrome (CSTLO). Also called: FCS SYNDROME; HRAS-Related Costello Syndrome; FACIOCUTANEOSKELETAL SYNDROME. Identifiers: Orphanet 3071, MedGen C0587248, MONDO:0009026, OMIM 218040.

Submission:

Labcorp Genetics (formerly Invitae), Labcorp
Classification: Uncertain significance for Costello syndrome. Last evaluated: 2022-07-22. Review status: criteria provided, single submitter. Criteria: Invitae Variant Classification Sherloc (09022015). Collection method: clinical testing. Allele origin: germline.
Comment: In summary, the available evidence is currently insufficient to determine the role of this variant in disease. Therefore, it has been classified as a Variant of Uncertain Significance. Advanced modeling of protein sequence and biophysical properties (such as structural, functional, and spatial information, amino acid conservation, physicochemical variation, residue mobility, and thermodynamic stability) performed at Invitae indicates that this missense variant is not expected to disrupt HRAS protein function. This variant has not been reported in the literature in individuals affected with HRAS-related conditions. This variant is not present in population databases (gnomAD no frequency). This sequence change replaces glutamic acid, which is acidic and polar, with glutamine, which is neutral and polar, at codon 162 of the HRAS protein (p.Glu162Gln).